The following is an entry in ClinVar:

ClinVar aggregate classification (germline): Uncertain significance (1 of 4 stars; one submission).

Conditions:
Long QT syndrome (LQTS). Identifiers: MedGen C0023976, MeSH D008133, MONDO:0002442. Disease mechanism: loss of function. Inheritance: Various modes of inheritance.

Submission:

Labcorp Genetics (formerly Invitae), Labcorp
Classification: Uncertain significance for Long QT syndrome. Last evaluated: 2020-04-30. Review status: criteria provided, single submitter. Criteria: Invitae Variant Classification Sherloc (09022015). Collection method: clinical testing. Allele origin: germline.
Comment: The current clinical and genetic evidence is not sufficient to establish whether loss-of-function variants in CACNA1C cause disease. Algorithms developed to predict the effect of sequence changes on RNA splicing suggest that this variant may disrupt the consensus splice site, but this prediction has not been confirmed by published transcriptional studies. This variant has not been reported in the literature in individuals with CACNA1C-related conditions. This variant is not present in population databases (ExAC no frequency). This sequence change affects an acceptor splice site in intron 11 of the CACNA1C gene. It is expected to disrupt RNA splicing and likely results in an absent or disrupted protein product. In summary, the available evidence is currently insufficient to determine the role of this variant in disease. Therefore, it has been classified as a Variant of Uncertain Significance.

NM_000719.7(CACNA1C):c.1509-1G>A

Gene: CACNA1C (calcium voltage-gated channel subunit alpha1 C; plus strand). Cytogenetic location: 12p13.33.
Variant type: single nucleotide variant.
Coding change: c.1509-1G>A on transcript NM_000719.7 (MANE Select); the canonical splice acceptor site of the intron before coding-DNA position 1509, G replaced by A.
Molecular consequence: splice acceptor variant.
Genome position (GRCh38, 1-based): chr12:2,566,421, G>A. VCF-style: chr12-2566421-G-A. GRCh37 (hg19) VCF-style: chr12-2675587-G-A.
Other names: c.1509-1G>A (NM_001167624.3, NM_001167623.2, NM_001167625.2 and 18 more transcripts); c.1500-1G>A (NM_001129844.2).
Identifiers: ClinVar variation 1062215 (VCV001062215.7), dbSNP rs2154593325, ClinGen allele CA383368378.
Genomic context (GRCh38, chr12:2,566,421, plus strand): 5'-GGGTTGGAGGAAACCTGAATTCACAGCCAACCCCACCCTTCTCTCCCTGTCCCCTTTCCA[G>A]CCGCTACTGGCGCCGGTGGAATCGGTTCTGCAGAAGGAAGTGCCGCGCCGCAGTCAAGTC-3'